The following continues an entry in ClinVar:

NM_024675.4(PALB2):c.509_510del (p.Arg170fs)

Gene: PALB2. ClinVar aggregate classification (germline): Pathogenic. Pathogenic (41).

Submissions 30 to 40 of 55:

Women's Health and Genetics/Laboratory Corporation of America, LabCorp
Classification: Pathogenic for Malignant tumor of breast. Last evaluated: 2021-05-11. Review status: criteria provided, single submitter. Criteria: LabCorp Variant Classification Summary - May 2015. Collection method: clinical testing. Allele origin: germline.
Comment: Variant summary: PALB2 c.509_510delGA (p.Arg170IlefsX14) results in a premature termination codon, predicted to cause a truncation of the encoded protein or absence of the protein due to nonsense mediated decay, which are commonly known mechanisms for disease. Truncations downstream of this position have been classified as pathogenic by our laboratory. The variant allele was found at a frequency of 6.1e-05 in 260850 control chromosomes (gnomAD and publications). This frequency is not higher than expected for a pathogenic variant in PALB2 causing Breast Cancer (6.1e-05 vs 0.00016), allowing no conclusion about variant significance. c.509_510delGA has been reported in the literature in multiple individuals affected with breast cancer, ovarian cancer and pancreatic cancer (e.g. Dansonka-Mieszkowska_2010, Casadei_2011, Noskowicz_2014, Cybulski_2015, Borecka_2016). These data indicate that the variant is very likely to be associated with disease. Experimental evidence evaluating an impact on protein function demonstrated the variant impairs DNA binding ability, fails to stimulate RAD51 and fails to localize to DNA damage sites (Pauty_2017). Nineteen ClinVar submitters (evaluation after 2014) cite the variant as pathogenic. Based on the evidence outlined above, the variant was classified as pathogenic.

Institute of Medical Genetics and Applied Genomics, University Hospital Tübingen
Classification: Pathogenic. Last evaluated: 2020-10-23. Review status: criteria provided, single submitter. Criteria: ACMG Guidelines, 2015. Collection method: clinical testing. Allele origin: germline. Inheritance: Unknown mechanism. Affected: yes.

GeneDx
Classification: Pathogenic. Last evaluated: 2020-06-15. Review status: criteria provided, single submitter. Criteria: GeneDx Variant Classification Process June 2021. Collection method: clinical testing. Allele origin: germline. Affected: yes.
Comment: Frameshift variant predicted to result in protein truncation or nonsense mediated decay in a gene for which loss-of-function is a known mechanism of disease; Observed in individuals with breast and pancreatic cancers and is a recurrent pathogenic variant in Central and Eastern European populations (Dansonka-Mieszkowska 2010, Slater 2010, Casadei 2011, Noskowicz 2014, Cybulski 2015, Wojcik 2016, Kluska 2017, Hilz 2019); Case control studies suggest this variant is associated with breast cancer (Cybulski 2015); Not observed at a significant frequency in large population cohorts (Lek 2016); This variant is associated with the following publications: (PMID: 28407996, 26720728, 23935381, 20122277, 20412113, 21285249, 26843898, 24061862, 27038244, 28279176, 28709830, 27488870, 27757719, 27624329, 27099641, 27106063, 25330149, 26270727, 20582465, 28158555, 25959805, 29478780, 29052111, 30086788, 30833416, 31159747, 30113427, 31312277, 31570822, 29625052, 26689913, 32885271, 32554798)

Department of Molecular Diagnostics, Institute of Oncology Ljubljana
Classification: Pathogenic for Familial cancer of breast. Last evaluated: 2020-04-02. Review status: criteria provided, single submitter. Criteria: ACMG Guidelines, 2015. Collection method: clinical testing. Allele origin: germline. Affected: yes.

GeneKor MSA
Classification: Pathogenic for Hereditary cancer-predisposing syndrome. Last evaluated: 2020-01-01. Review status: criteria provided, single submitter. Criteria: ACMG Guidelines, 2015. Collection method: clinical testing. Allele origin: germline. Affected: yes.
Comment: This mutation is a 2 bp deletion at codon 509 of the PALB2 gene. It results in a frame-shift creating new stop codon 14 amino acid residues later, thus resulting in absent or disrupted protein product. Truncating variants in PALB2 are known to be pathogenic. This particular truncation has been reported in the literature in association with familial breast and pancreatic cancers (PMID: 20412113; PMID: 21285249). The mutation database ClinVar contains multiple entries for this variant (Variation ID: 126757).

Human Genome Sequencing Center Clinical Lab, Baylor College of Medicine
Classification: Pathogenic for Susceptibility to breast cancer; Pancreatic cancer susceptibility 3. Last evaluated: 2019-02-05. Review status: criteria provided, single submitter. Criteria: ACMG Guidelines, 2015. Collection method: clinical testing. Allele origin: germline.
Comment: This c.509_510delGA (p.Arg170Ilefs*14) variant in the PALB2 gene is predicted to introduce a premature translation termination codon. This variant has been reported in multiple unrelated patients affected with breast cancer (PMID 21285249, 24061862, 25330149, 26083025), ovarian cancer (PMID 21285249) and pancreatic cancer (PMID 27106063) and is extremely rare in general population. Therefore, the c.509_510delGA (p.Arg170Ilefs*14) variant in the PALB2 gene is classified as pathogenic.

ARUP Laboratories, Molecular Genetics and Genomics, ARUP Laboratories
Classification: Pathogenic. Last evaluated: 2018-07-23. Review status: criteria provided, single submitter. Criteria: ARUP Molecular Germline Variant Investigation Process. Collection method: clinical testing. Allele origin: germline.
Comment: The PALB2 c.509_510delGA; p.Arg170fs variant (rs515726124) is a recurrent alteration in individuals with breast cancer (Casadel 2011, Cybulski 2015, Cybulski 2015b, Dansonka-Mieszkowska 2010, Kluska 2017, Noskowicz 2014), and is significantly enriched in affected individuals compared to the healthy population (Cybulski 2015). This variant is reported as pathogenic in ClinVar (Variation ID: 126757), and found in the general population with a low overall allele frequency of 0.003% (8/246222 alleles) in the Genome Aggregation Database. This variant causes a frameshift by deleting 2 nucleotides, so it is predicted to result in a truncated protein or mRNA subject to nonsense-mediated decay. Based on available information, this variant is considered to be pathogenic. REFERENCES Casadel S et al. Contribution of inherited mutations in the BRCA2-interacting protein PALB2 to familial breast cancer. Cancer Res. 2011; 71(6):2222-9. Cybulski C et al. Clinical outcomes in women with breast cancer and a PALB2 mutation: a prospective cohort analysis. Lancet Oncol. 2015; 16(6):638-44. Cybulski C et al. Mutations predisposing to breast cancer in 12 candidate genes in breast cancer patients from Poland. Clin Genet. 2015b; 88(4):366-70. Dansonka-Mieszkowska A et al. A novel germline PALB2 deletion in Polish breast and ovarian cancer patients. BMC Med Genet. 2010; 11:20. Kluska A et al. PALB2 mutations in BRCA1/2-mutation negative breast and ovarian cancer patients from Poland. BMC Med Genomics. 2017; 10(1):14. Noskowicz M et al. Prevalence of PALB2 mutation c.509_510delGA in unselected breast cancer patients from Central and Eastern Europe. Fam Cancer. 2014; 13(2):137-42.

Mendelics
Classification: Pathogenic for Hereditary cancer-predisposing syndrome. Last evaluated: 2018-07-02. Review status: criteria provided, single submitter. Criteria: Mendelics Assertion Criteria 2017. Collection method: clinical testing. Allele origin: unknown.

Genetic Services Laboratory, University of Chicago
Classification: Pathogenic. Last evaluated: 2017-11-21. Review status: criteria provided, single submitter. Criteria: ACMG Guidelines, 2015. Collection method: clinical testing. Allele origin: germline. Affected: yes.
Comment: This pathogenic sequence change results in an amino acid frameshift and creates a premature stop codon 13 amino acids downstream of the mutation, p.Arg170Ilefs*14. This pathogenic sequence change is predicted to result in an abnormal transcript, which may be degraded, or may lead to the production of a truncated PALB2 protein with potentially abnormal function. This pathogenic sequence change has previously been described in patients with PALB2-related breast, ovarian and pancreatic cancers (Dansonka-Mieszkowska et al. 2010; Slater et al. 2010; Casadei et al. 2011; Bogdanova et al. 2011; Adank et al. 2011; Noskowicz et al. 2014; Kluska et al. 2017). Additionally, a breast cancer patient with t-MN was reported to have a different pathogenic PALB2 mutation (Churpek et al. 2016). Compound heterozygous pathogenic variants in PALB2 have been associated with Fanconi anemia of complementation group N [OMIM#610832]. Heterozygous pathogenic variants in PALB2 have been associated with increased susceptibility to cancers including breast cancer [OMIM#114480] and pancreatic cancer [OMIM#613348].

Illumina Laboratory Services, Illumina
Classification: Pathogenic for PALB2-Related Disorders. Last evaluated: 2017-04-27. Review status: criteria provided, single submitter. Criteria: ICSL Variant Classification Criteria 09 May 2019. Collection method: clinical testing. Allele origin: germline.
Comment: The PALB2 c.509_510delGA (p.Arg170IlefsTer14) variant results in frameshift and is predicted to result in premature truncation of the protein. The p.Arg170IlefsTer14 variant is reported in at least six studies in which it is found in a heterozygous state in a total of 23 breast cancer patients, two ovarian cancer patients and one pancreatic cancer patient (Dansonka-Mieszkowska et al. 2010; Slater et al. 2010; Casadei et al. 2011; Bogdanova et al. 2011; Adank et al. 2011; Noskowicz et al. 2014). This variant has not been reported in individuals with Fanconi anemia. The p.Arg170IlefsTer14 variant was found in a heterozygous state in one of 5097 controls and is reported at a frequency of 0.00010 in the European (non-Finnish) population of the Exome Aggregation Consortium. The variant creates a premature stop codon which shortens the PALB2 protein to 182 amino acids from 1186 amino acids. This removes the C-terminal domain which contains the WD40 repeats necessary for BRCA2/PALB2 complex formation. Other deletion variants that remove the C-terminal domain of the PALB2 protein have been shown to have highly reduced BRCA2 binding capacity and be defective in the repair of ds breaks and mitomyocin C-induced damages. To date, all PALB2 variants detected in families with breast cancer or Fanconi anemia have been frameshift or nonsense changes leading to a truncated protein. Based on the evidence and the potential impact of frameshift variants, the p.Arg170IlefsTer14 variant is classified as pathogenic for PALB2-related disorders. This variant was observed by ICSL as part of a predisposition screen in an ostensibly healthy population.

University of Washington Department of Laboratory Medicine, University of Washington
Classification: Pathogenic for Hereditary cancer-predisposing syndrome. Last evaluated: 2015-11-20. Review status: criteria provided, single submitter. Criteria: Shirts et al. (Genet Med 2016). Collection method: clinical testing. Allele origin: germline. Affected: yes. Observed: 1 variant allele.